The following is an entry in ClinVar:

NM_002830.4(PTPN4):c.784T>G (p.Ser262Ala)

Gene: PTPN4 (protein tyrosine phosphatase non-receptor type 4; plus strand). Cytogenetic location: 2q14.2.
Variant type: single nucleotide variant.
Coding change: c.784T>G on transcript NM_002830.4 (MANE Select); coding-DNA position 784, T replaced by G.
Protein change: p.Ser262Ala; replaces serine 262 with alanine.
Molecular consequence: missense variant.
Genome position (GRCh38, 1-based): chr2:119,915,198, T>G. VCF-style: chr2-119915198-T-G. GRCh37 (hg19) VCF-style: chr2-120672774-T-G.
Other names: short protein forms S262A.
Identifiers: ClinVar variation 3036069 (VCV003036069.2), dbSNP rs550473525, ClinGen allele CA1849399.
Genomic context (GRCh38, chr2:119,915,198, plus strand): 5'-CATTATTCAATACTTTGAATAATTTATTGTCTTTTGTCCAGGTTGAAGATTGTAAAAATT[T>G]CTTTTAAGTGCAAACAGTTTTTTATTCAACTTAGAAAAGAATTGGTGAGTACGGATTTAA-3'
Protein context (NP_002821.1, residues 252-272): TFPWLKIVKI[Ser262Ala]FKCKQFFIQL

ClinVar aggregate classification (germline): Likely benign (0 of 4 stars; one submission).

Conditions:
PTPN4-related disorder. Also called: PTPN4-Related Disorders; PTPN4-related condition.

Allele frequency attached by ClinVar (database versions not stated): TOPMed 0.00001; gnomAD 0.00009; gnomAD exomes 0.00011; ExAC 0.00040; 1000 Genomes Project 30x 0.00062; 1000 Genomes Project 0.00080.
gnomAD v4.1: 163 of 1,541,954 alleles (0.011%); highest among the groups gnomAD compares: South Asian, 0.19%; 1 homozygote.

Submission:

PreventionGenetics, part of Exact Sciences
Classification: Likely benign for PTPN4-related condition. Last evaluated: 2022-12-01. Review status: no assertion criteria provided. Collection method: clinical testing. Allele origin: germline.
Comment: This variant is classified as likely benign based on ACMG/AMP sequence variant interpretation guidelines (Richards et al. 2015 PMID: 25741868, with internal and published modifications).